The following is an entry in ClinVar:

NM_000343.4(SLC5A1):c.915_917del (p.Lys305del)

Gene: SLC5A1 (solute carrier family 5 member 1; plus strand). Cytogenetic location: 22q12.3.
Variant type: Deletion.
Coding change: c.915_917del on transcript NM_000343.4 (MANE Select); coding-DNA positions 915 to 917, 3 bases deleted (GAA; older notation c.915_917delGAA).
Protein change: p.Lys305del; deletes lysine 305.
Molecular consequence: inframe deletion.
Genome position (GRCh38, 1-based): chr22:32,084,929-32,084,931, GAA deleted; deleting any 3 consecutive bases within chr22:32,084,927-32,084,931 gives the same sequence; the c. name uses the placement nearest the transcript's 3' end. VCF-style (leftmost placement, unchanged base first): chr22-32084926-CAAG-C. GRCh37 (hg19) VCF-style: chr22-32480913-CAAG-C.
Other names: c.534_536del, p.Lys178del (NM_001256314.2); short protein forms K178del, K305del.
Identifiers: ClinVar variation 2019235 (VCV002019235.4), dbSNP rs2517662532, ClinGen allele CA2580099656.

ClinVar aggregate classification (germline): Uncertain significance (1 of 4 stars; one submission).

Conditions:
Congenital glucose-galactose malabsorption (GGM). Also called: MONOSACCHARIDE MALABSORPTION; DIARRHEA 16. Identifiers: Orphanet 35710, MedGen C0268186, MONDO:0011731, OMIM 606824.

Submission:

Labcorp Genetics (formerly Invitae), Labcorp
Classification: Uncertain significance for Congenital glucose-galactose malabsorption. Last evaluated: 2022-07-23. Review status: criteria provided, single submitter. Criteria: Invitae Variant Classification Sherloc (09022015). Collection method: clinical testing. Allele origin: germline.
Comment: This variant is not present in population databases (gnomAD no frequency). This variant, c.915_917del, results in the deletion of 1 amino acid(s) of the SLC5A1 protein (p.Lys305del), but otherwise preserves the integrity of the reading frame. This variant has not been reported in the literature in individuals affected with SLC5A1-related conditions. In summary, the available evidence is currently insufficient to determine the role of this variant in disease. Therefore, it has been classified as a Variant of Uncertain Significance. Experimental studies and prediction algorithms are not available or were not evaluated, and the functional significance of this variant is currently unknown.